The following is an entry in ClinVar:

ClinVar aggregate classification (germline): Uncertain significance (1 of 4 stars; one submission).

gnomAD v4.1: 13 of 1,614,072 alleles (0.00081%); highest among the groups gnomAD compares: Non-Finnish European, 0.001%; no homozygotes.

Submission:

Labcorp Genetics (formerly Invitae), Labcorp
Classification: Uncertain significance. Last evaluated: 2025-07-30. Review status: criteria provided, single submitter. Criteria: Invitae Variant Classification Sherloc (09022015). Collection method: clinical testing. Allele origin: germline.
Comment: This sequence change replaces proline, which is neutral and non-polar, with leucine, which is neutral and non-polar, at codon 13 of the TAOK2 protein (p.Pro13Leu). This variant is not present in population databases (gnomAD no frequency). This variant has not been reported in the literature in individuals affected with TAOK2-related conditions. An algorithm developed to predict the effect of missense changes on protein structure and function (PolyPhen-2) suggests that this variant is likely to be tolerated. In summary, the available evidence is currently insufficient to determine the role of this variant in disease. Therefore, it has been classified as a Variant of Uncertain Significance.

NM_016151.4(TAOK2):c.38C>T (p.Pro13Leu)

Gene: TAOK2 (TAO kinase 2; plus strand). Cytogenetic location: 16p11.2.
Variant type: single nucleotide variant.
Coding change: c.38C>T on transcript NM_016151.4 (MANE Select); coding-DNA position 38, C replaced by T.
Protein change: p.Pro13Leu; replaces proline 13 with leucine.
Molecular consequence: missense variant.
Genome position (GRCh38, 1-based): chr16:29,977,810, C>T. VCF-style: chr16-29977810-C-T. GRCh37 (hg19) VCF-style: chr16-29989131-C-T.
Other names: c.38C>T, p.Pro13Leu (NM_001252043.2, NM_004783.4); short protein forms P13L.
Identifiers: ClinVar variation 4766744 (VCV004766744.1).